The following is an entry in ClinVar:

NM_001040108.2(MLH3):c.2989A>C (p.Ser997Arg)

Gene: MLH3 (mutL homolog 3; minus strand). Cytogenetic location: 14q24.3.
Variant type: single nucleotide variant.
Coding change: c.2989A>C on transcript NM_001040108.2 (MANE Select); coding-DNA position 2989, A replaced by C.
Protein change: p.Ser997Arg; replaces serine 997 with arginine.
Molecular consequence: missense variant.
Genome position (GRCh38, 1-based): chr14:75,046,667, T>G on the plus strand (A>C on the coding strand, the complement: MLH3 is on the minus strand). VCF-style: chr14-75046667-T-G. GRCh37 (hg19) VCF-style: chr14-75513370-T-G.
Other names: c.2989A>C, p.Ser997Arg (NM_014381.3); short protein forms S997R.
Identifiers: ClinVar variation 1516254 (VCV001516254.9), dbSNP rs2139550718, ClinGen allele CA390437066.

ClinVar aggregate classification (germline): Uncertain significance. Review status: criteria provided, multiple submitters, no conflicts (2 of 4 stars). 2 submissions from 2 submitters: Uncertain significance (2). Last evaluated 2024-09-08.

Conditions:
Colorectal cancer, hereditary nonpolyposis, type 7. Identifiers: Orphanet 144, MedGen C1858380, MONDO:0013725, OMIM 614385.

gnomAD v4.1: 3 of 1,614,244 alleles (0.00019%); highest among the groups gnomAD compares: Non-Finnish European, 0.00025%; no homozygotes.

Submissions (2):

Ambry Genetics
Classification: Uncertain significance. Last evaluated: 2024-09-08. Review status: criteria provided, single submitter. Criteria: Ambry Variant Classification Scheme 2023. Collection method: clinical testing. Allele origin: germline.
Comment: The p.S997R variant (also known as c.2989A>C), located in coding exon 1 of the MLH3 gene, results from an A to C substitution at nucleotide position 2989. The serine at codon 997 is replaced by arginine, an amino acid with dissimilar properties. This amino acid position is conserved. In addition, this alteration is predicted to be tolerated by in silico analysis. Since supporting evidence is limited at this time, the clinical significance of this alteration remains unclear.

Labcorp Genetics (formerly Invitae), Labcorp
Classification: Uncertain significance for Colorectal cancer, hereditary nonpolyposis, type 7. Last evaluated: 2021-10-08. Review status: criteria provided, single submitter. Criteria: Invitae Variant Classification Sherloc (09022015). Collection method: clinical testing. Allele origin: germline.
Comment: This sequence change replaces serine with arginine at codon 997 of the MLH3 protein (p.Ser997Arg). The serine residue is weakly conserved and there is a moderate physicochemical difference between serine and arginine. This variant is not present in population databases (ExAC no frequency). This variant has not been reported in the literature in individuals affected with MLH3-related conditions. Algorithms developed to predict the effect of missense changes on protein structure and function (SIFT, PolyPhen-2, Align-GVGD) all suggest that this variant is likely to be tolerated. In summary, the available evidence is currently insufficient to determine the role of this variant in disease. Therefore, it has been classified as a Variant of Uncertain Significance.